The following is an entry in ClinVar:

ClinVar aggregate classification (germline): Uncertain significance (1 of 4 stars; one submission).

Conditions:
Tuberous sclerosis 2 (TSC2). Identifiers: Orphanet 805, MedGen C1860707, MONDO:0013199, OMIM 613254.

gnomAD v4.1: 4 of 1,612,302 alleles (0.00025%); highest among the groups gnomAD compares: Non-Finnish European, 0.00034%; no homozygotes.

Submission:

Labcorp Genetics (formerly Invitae), Labcorp
Classification: Uncertain significance for Tuberous sclerosis 2. Last evaluated: 2023-11-25. Review status: criteria provided, single submitter. Criteria: Invitae Variant Classification Sherloc (09022015). Collection method: clinical testing. Allele origin: germline.
Comment: This sequence change replaces leucine, which is neutral and non-polar, with valine, which is neutral and non-polar, at codon 243 of the TSC2 protein (p.Leu243Val). This variant is not present in population databases (gnomAD no frequency). This variant has not been reported in the literature in individuals affected with TSC2-related conditions. ClinVar contains an entry for this variant (Variation ID: 238091). Advanced modeling of protein sequence and biophysical properties (such as structural, functional, and spatial information, amino acid conservation, physicochemical variation, residue mobility, and thermodynamic stability) performed at Invitae indicates that this missense variant is not expected to disrupt TSC2 protein function with a negative predictive value of 95%. In summary, the available evidence is currently insufficient to determine the role of this variant in disease. Therefore, it has been classified as a Variant of Uncertain Significance.

NM_000548.5(TSC2):c.727C>G (p.Leu243Val)

Gene: TSC2 (TSC complex subunit 2; plus strand). Cytogenetic location: 16p13.3.
Variant type: single nucleotide variant.
Coding change: c.727C>G on transcript NM_000548.5 (MANE Select); coding-DNA position 727, C replaced by G.
Protein change: p.Leu243Val; replaces leucine 243 with valine.
Molecular consequence: missense variant.
Genome position (GRCh38, 1-based): chr16:2,056,722, C>G. VCF-style: chr16-2056722-C-G. GRCh37 (hg19) VCF-style: chr16-2106723-C-G.
Other names: c.727C>G, p.Leu243Val (NM_001363528.2, NM_001370404.1, NM_001370405.1 and 3 more transcripts); c.616C>G, p.Leu206Val (NM_001318827.2); c.580C>G, p.Leu194Val (NM_001318829.2); c.127C>G, p.Leu43Val (NM_001318831.2); c.760C>G, p.Leu254Val (NM_001318832.2); short protein forms L243V, L194V, L43V, L254V, L206V.
Identifiers: ClinVar variation 238091 (VCV000238091.8), dbSNP rs796053502, ClinGen allele CA10583284.